The following is an entry in ClinVar:

NM_000051.4(ATM):c.8950C>A (p.Leu2984Met)

Genes: ATM (ATM serine/threonine kinase; plus strand), C11orf65 (chromosome 11 open reading frame 65; minus strand). Cytogenetic location: 11q22.3.
Variant type: single nucleotide variant.
Coding change: c.8950C>A on transcript NM_000051.4 (MANE Select); coding-DNA position 8950, C replaced by A.
Protein change: p.Leu2984Met; replaces leucine 2984 with methionine.
Molecular consequence: missense variant. On other transcripts: intron variant (2).
Genome position (GRCh38, 1-based): chr11:108,365,181, C>A. VCF-style: chr11-108365181-C-A. GRCh37 (hg19) VCF-style: chr11-108235908-C-A.
Other names: c.8950C>A (NM_000051.2); c.694+20739G>T (NM_001351110.2); c.8950C>A, p.Leu2984Met (NM_001351834.2); c.640+20739G>T (NM_001330368.2); short protein forms L2984M.
Identifiers: ClinVar variation 231819 (VCV000231819.27), dbSNP rs747445236, ClinGen allele CA6266495.

ClinVar aggregate classification (germline): Conflicting classifications of pathogenicity. Review status: criteria provided, conflicting classifications (1 of 4 stars). 4 submissions from 4 submitters: Uncertain significance (2); Likely benign (1). 1 of the submissions does not count toward it. Last evaluated 2026-01-20.

Conditions:
Hereditary cancer-predisposing syndrome. Also called: Neoplastic Syndromes, Hereditary; Hereditary neoplastic syndrome; Tumor predisposition; Hereditary Cancer Syndrome. Identifiers: Orphanet 140162, MedGen C0027672, MeSH D009386, MONDO:0015356.
Familial cancer of breast. Also called: hereditary breast carcinoma; Hereditary breast cancer; BREAST CANCER, FAMILIAL. Identifiers: Orphanet 227535, MedGen C0346153, MONDO:0016419, OMIM 114480. Disease mechanism: loss of function.
Ataxia-telangiectasia syndrome (AT). Also called: Ataxia telangiectasia (A-T); Cerebello-oculocutaneous telangiectasia; Immunodeficiency with ataxia telangiectasia; LOUIS-BAR SYNDROME; AT, COMPLEMENTATION GROUP C; ATAXIA-TELANGIECTASIA, FRESNO VARIANT. Identifiers: Orphanet 100, MedGen C0004135, MONDO:0008840, OMIM 208900.

Allele frequency attached by ClinVar (database versions not stated): gnomAD exomes below 0.00001; gnomAD 0.00001; TOPMed 0.00002; ExAC 0.00001.
gnomAD v4.1: 1 of 1,614,116 alleles (0.000062%); highest among the groups gnomAD compares: African/African-American, 0.0013%; no homozygotes.

Submissions (4):

Labcorp Genetics (formerly Invitae), Labcorp
Classification: Uncertain significance for Ataxia-telangiectasia syndrome. Last evaluated: 2026-01-20. Review status: criteria provided, single submitter. Criteria: Invitae Variant Classification Sherloc (09022015). Collection method: clinical testing. Allele origin: germline.
Comment: This sequence change replaces leucine, which is neutral and non-polar, with methionine, which is neutral and non-polar, at codon 2984 of the ATM protein (p.Leu2984Met). This variant is present in population databases (rs747445236, gnomAD 0.007%). This variant has not been reported in the literature in individuals affected with ATM-related conditions. ClinVar contains an entry for this variant (Variation ID: 231819). Invitae Evidence Modeling of protein sequence and biophysical properties (such as structural, functional, and spatial information, amino acid conservation, physicochemical variation, residue mobility, and thermodynamic stability) indicates that this missense variant is not expected to disrupt ATM protein function with a negative predictive value of 95%. In summary, the available evidence is currently insufficient to determine the role of this variant in disease. Therefore, it has been classified as a Variant of Uncertain Significance.

Ambry Genetics
Classification: Likely benign for Hereditary cancer-predisposing syndrome. Last evaluated: 2024-03-21. Review status: criteria provided, single submitter. Criteria: Ambry Variant Classification Scheme 2023. Collection method: clinical testing. Allele origin: germline.

Department of Pathology and Laboratory Medicine, Sinai Health System
Classification: Uncertain significance for Familial cancer of breast. Last evaluated: 2023-04-17. Review status: criteria provided, single submitter. Criteria: ACMG Guidelines, 2015. Collection method: clinical testing. Allele origin: germline. Affected: yes.

Natera, Inc.
Classification: Uncertain significance for Ataxia-telangiectasia. Last evaluated: 2020-02-27. Review status: no assertion criteria provided. Collection method: clinical testing. Allele origin: germline. Not counted in ClinVar's aggregate classification.

Literature cited by the submitters: PubMed 29684080 (cited by Ambry Genetics).